The following is an entry in ClinVar:

ClinVar aggregate classification (germline): Uncertain significance (1 of 4 stars; one submission).

Submission:

GeneDx
Classification: Uncertain significance. Last evaluated: 2023-12-16. Review status: criteria provided, single submitter. Criteria: GeneDx Variant Classification Process June 2021. Collection method: clinical testing. Allele origin: germline. Affected: yes.
Comment: Not observed at significant frequency in large population cohorts (gnomAD); In silico analysis supports that this missense variant does not alter protein structure/function; Has not been previously published as pathogenic or benign to our knowledge

NM_022552.5(DNMT3A):c.953G>A (p.Arg318Gln)

Gene: DNMT3A (DNA methyltransferase 3 alpha; minus strand). Cytogenetic location: 2p23.3.
Variant type: single nucleotide variant.
Coding change: c.953G>A on transcript NM_022552.5 (MANE Select); coding-DNA position 953, G replaced by A.
Protein change: p.Arg318Gln; replaces arginine 318 with glutamine.
Molecular consequence: missense variant. On other transcripts: non-coding transcript variant (1).
Genome position (GRCh38, 1-based): chr2:25,247,652, C>T on the plus strand (G>A on the coding strand, the complement: DNMT3A is on the minus strand). VCF-style: chr2-25247652-C-T. GRCh37 (hg19) VCF-style: chr2-25470521-C-T.
Other names: c.497G>A, p.Arg166Gln (NM_001320893.1); c.284G>A, p.Arg95Gln (NM_001375819.1); c.386G>A, p.Arg129Gln (NM_153759.3); c.953G>A, p.Arg318Gln (NM_175629.2); short protein forms R129Q, R166Q, R318Q, R95Q.
Identifiers: ClinVar variation 3365917 (VCV003365917.1).